The following is an entry in ClinVar:

ClinVar aggregate classification (germline): Uncertain significance (1 of 4 stars; one submission).

Conditions:
Brugada syndrome. Also called: Sudden unexpected nocturnal death syndrome; Sudden unexplained nocturnal death syndrome; Sudden Unexplained Death Syndrome; Sudden Unexplained Nocturnal Death Syndrome (SUNDS). Identifiers: Orphanet 130, MedGen C1142166, MONDO:0015263.

Submission:

Labcorp Genetics (formerly Invitae), Labcorp
Classification: Uncertain significance for Brugada syndrome. Last evaluated: 2025-03-20. Review status: criteria provided, single submitter. Criteria: Invitae Variant Classification Sherloc (09022015). Collection method: clinical testing. Allele origin: germline.
Comment: This sequence change affects codon 293 of the CACNA2D1 mRNA. It is a 'silent' change, meaning that it does not change the encoded amino acid sequence of the CACNA2D1 protein. It affects a nucleotide within the consensus splice site. This variant is not present in population databases (gnomAD no frequency). This variant has not been reported in the literature in individuals affected with CACNA2D1-related conditions. Algorithms developed to predict the effect of sequence changes on RNA splicing suggest that this variant is not likely to affect RNA splicing. In summary, the available evidence is currently insufficient to determine the role of this variant in disease. Therefore, it has been classified as a Variant of Uncertain Significance.

NM_000722.4(CACNA2D1):c.879A>G (p.Ser293=)

Gene: CACNA2D1 (calcium voltage-gated channel auxiliary subunit alpha2delta 1; minus strand). Cytogenetic location: 7q21.11.
Variant type: single nucleotide variant.
Coding change: c.879A>G on transcript NM_000722.4 (MANE Select); coding-DNA position 879, A replaced by G.
Protein change: p.Ser293=; no amino-acid change (serine 293 retained).
Molecular consequence: synonymous variant.
Genome position (GRCh38, 1-based): chr7:82,060,428, T>C on the plus strand (A>G on the coding strand, the complement: CACNA2D1 is on the minus strand). VCF-style: chr7-82060428-T-C. GRCh37 (hg19) VCF-style: chr7-81689744-T-C.
Other names: c.879A>G, p.Ser293= (NM_001302890.2, NM_001366867.1).
Identifiers: ClinVar variation 4715584 (VCV004715584.1).